The following is an entry in ClinVar:

NM_005188.4(CBL):c.689T>G (p.Leu230Arg)

Gene: CBL (Cbl proto-oncogene; plus strand). Cytogenetic location: 11q23.3.
Variant type: single nucleotide variant.
Coding change: c.689T>G on transcript NM_005188.4 (MANE Select); coding-DNA position 689, T replaced by G.
Protein change: p.Leu230Arg; replaces leucine 230 with arginine.
Molecular consequence: missense variant.
Genome position (GRCh38, 1-based): chr11:119,273,966, T>G. VCF-style: chr11-119273966-T-G. GRCh37 (hg19) VCF-style: chr11-119144676-T-G.
Other names: short protein forms L230R.
Identifiers: ClinVar variation 3996074 (VCV003996074.1).

ClinVar aggregate classification (germline): Uncertain significance (1 of 4 stars; one submission).

Conditions:
Cardiovascular phenotype. Identifiers: MedGen CN230736.

Submission:

Ambry Genetics
Classification: Uncertain significance for Cardiovascular phenotype. Last evaluated: 2025-05-29. Review status: criteria provided, single submitter. Criteria: Ambry Variant Classification Scheme 2023. Collection method: clinical testing. Allele origin: germline.
Comment: The p.L230R variant (also known as c.689T>G), located in coding exon 4 of the CBL gene, results from a T to G substitution at nucleotide position 689. The leucine at codon 230 is replaced by arginine, an amino acid with dissimilar properties. This amino acid position is conserved. In addition, this alteration is predicted to be deleterious by in silico analysis. Based on the available evidence, the clinical significance of this variant remains unclear.